The following is an entry in ClinVar:

ClinVar aggregate classification (germline): Uncertain significance. Review status: criteria provided, multiple submitters, no conflicts (2 of 4 stars). 4 submissions from 4 submitters: Uncertain significance (4). Last evaluated 2025-03-16.

Conditions:
Primary immunodeficiency with natural-killer cell deficiency and adrenal insufficiency (IMD54). Also called: Natural killer cell and glucocorticoid deficiency with DNA repair defect; IMMUNODEFICIENCY 54. Identifiers: Orphanet 75391, MedGen C1864947, MONDO:0012383, OMIM 609981.

Allele frequency attached by ClinVar (database versions not stated): ExAC 0.00008; gnomAD exomes 0.00008 and 0.00016; gnomAD 0.00010 and 0.00011; TOPMed 0.00011; ESP Exome Variant Server 0.00023.
gnomAD v4.1: 247 of 1,613,936 alleles (0.015%); highest among the groups gnomAD compares: Non-Finnish European, 0.02%; no homozygotes.

Submissions (4):

Ambry Genetics
Classification: Uncertain significance. Last evaluated: 2025-03-16. Review status: criteria provided, single submitter. Criteria: Ambry Variant Classification Scheme 2023. Collection method: clinical testing. Allele origin: germline.

CeGaT Center for Human Genetics Tuebingen
Classification: Uncertain significance. Last evaluated: 2025-01-01. Review status: criteria provided, single submitter. Criteria: CeGaT Center For Human Genetics Tuebingen Variant Classification Criteria Version 2. Collection method: clinical testing. Allele origin: germline. Affected: yes. Observed: 1 variant allele.
Comment: MCM4: PM2

Labcorp Genetics (formerly Invitae), Labcorp
Classification: Uncertain significance. Last evaluated: 2024-10-02. Review status: criteria provided, single submitter. Criteria: Invitae Variant Classification Sherloc (09022015). Collection method: clinical testing. Allele origin: germline.
Comment: This sequence change replaces glutamine, which is neutral and polar, with arginine, which is basic and polar, at codon 300 of the MCM4 protein (p.Gln300Arg). This variant is present in population databases (rs144012681, gnomAD 0.02%). This variant has not been reported in the literature in individuals affected with MCM4-related conditions. ClinVar contains an entry for this variant (Variation ID: 911936). Invitae Evidence Modeling of protein sequence and biophysical properties (such as structural, functional, and spatial information, amino acid conservation, physicochemical variation, residue mobility, and thermodynamic stability) indicates that this missense variant is not expected to disrupt MCM4 protein function with a negative predictive value of 80%. In summary, the available evidence is currently insufficient to determine the role of this variant in disease. Therefore, it has been classified as a Variant of Uncertain Significance.

Illumina Laboratory Services, Illumina
Classification: Uncertain significance for Primary immunodeficiency with natural-killer cell deficiency and adrenal insufficiency. Last evaluated: 2018-01-12. Review status: criteria provided, single submitter. Criteria: ICSL Variant Classification Criteria 13 December 2019. Collection method: clinical testing. Allele origin: germline.

NM_182746.3(MCM4):c.899A>G (p.Gln300Arg)

Gene: MCM4 (minichromosome maintenance complex component 4; plus strand). Cytogenetic location: 8q11.21.
Variant type: single nucleotide variant.
Coding change: c.899A>G on transcript NM_182746.3 (MANE Select); coding-DNA position 899, A replaced by G.
Protein change: p.Gln300Arg; replaces glutamine 300 with arginine.
Molecular consequence: missense variant.
Genome position (GRCh38, 1-based): chr8:47,966,253, A>G. VCF-style: chr8-47966253-A-G. GRCh37 (hg19) VCF-style: chr8-48878813-A-G.
Other names: c.899A>G, p.Gln300Arg (NM_005914.4); short protein forms Q300R.
Identifiers: ClinVar variation 911936 (VCV000911936.21), dbSNP rs144012681, ClinGen allele CA4742461.